The following is an entry in ClinVar:

NM_000152.5(GAA):c.2585del (p.Gly862fs)

Gene: GAA (alpha glucosidase; plus strand). Cytogenetic location: 17q25.3.
Variant type: Deletion.
Coding change: c.2585del on transcript NM_000152.5 (MANE Select); coding-DNA position 2585, one base deleted (G; older notation c.2585delG).
Protein change: p.Gly862fs; shifts the reading frame from glycine 862.
Molecular consequence: frameshift variant.
Genome position (GRCh38, 1-based): chr17:80,118,296, G deleted; the last of 2 consecutive G bases (chr17:80,118,295-80,118,296); deleting either gives the same sequence. VCF-style (leftmost placement, unchanged base first): chr17-80118294-TG-T. GRCh37 (hg19) VCF-style: chr17-78092093-TG-T.
Other names: NM_001079804.3:c.2585del; c.2585del, p.Gly862fs (NM_001079803.3, NM_001079804.3, NM_001406741.1 and 1 more transcripts); short protein forms G862fs.
Identifiers: ClinVar variation 3544352 (VCV003544352.2).

ClinVar aggregate classification (germline): Likely pathogenic. Review status: reviewed by expert panel (3 of 4 stars). 2 submissions from 2 submitters: Likely pathogenic (1). 1 of the submissions does not count toward it. Last evaluated 2024-09-04.

Conditions:
Glycogen storage disease, type II (IOPD). Also called: CARDIOMEGALIA GLYCOGENICA DIFFUSA; GLYCOGENOSIS, GENERALIZED, CARDIAC FORM; GSD II; Glycogen storage disease type 2; Acid maltase deficiency disease; Aglucosidase alfa. Identifiers: Orphanet 365, MedGen C0017921, MONDO:0009290, OMIM 232300.

Submissions (2):

ClinGen Lysosomal Storage Disorder Variant Curation Expert Panel
Classification: Likely pathogenic for Glycogen storage disease, type II. Last evaluated: 2024-09-04. Review status: reviewed by expert panel. Criteria: clingen_lsd_acmg_specifications_v2-1. Collection method: curation. Allele origin: germline. Inheritance: Autosomal recessive inheritance.
Comment: The NM_000152.5:c.2585del (p.Gly862GlufsTer25) variant in GAA is a frameshift variant predicted to cause a premature stop codon in biologically relevant exon 19 (GAA has 20 exons), leading to nonsense mediated decay in a gene in which loss-of-function is an established disease mechanism (PVS1). Note that although the premature stop codon is predicted to occur in exon 20, it would still be expected to result in nonsense-mediated decay because it is about 140 bp upstream from the 3' end of exon 19, which is the penultimate exon. However, insufficient details were provided to apply PP4. This patient is compound heterozygous for c.2585delG and another variant in GAA, c.2815_2816delGT (p.Val939LeufsTer78) (ClinVar Variation ID: 371481, SCV002032119.1) (PMID: 28394184). that has been classified as likely pathogenic by the ClinGen LD VCEP (the classification is likely pathogenic even without the in trans evidence from this patient, therefore avoiding circular logic); the phase is unconfirmed. 0.25 points, PM3 is not met at the current time. The classification of this variant has been upgraded from Variant of Uncertain Significance to Likely Pathogenic based on the recommendations of the ClinGen Sequence Variant Interpretation Working Group, that a variant meeting PVS1 and PM2_Supporting is classified as Likely Pathogenic. GAA-specific ACMG/AMP criteria applied, as specified by the ClinGen Lysosomal Diseases VCEP (Specifications Version 2.0): PVS1, PM2_Supporting. (Classification approved by the ClinGen Lysosomal Diseases Variant Curation Expert Panel on September 4, 2024)

Genomenon, Inc
Classification: Pathogenic for Glycogen storage disease, type II. Last evaluated: 2026-07-01. Review status: criteria provided, single submitter. Criteria: Genomenon Sequence Variant Interpretation Standards - Updated. Collection method: curation. Allele origin: germline. Affected: yes. Not counted in ClinVar's aggregate classification.
Comment: GAA p.Gly862GlufsTer25 (c.2585del) is a frameshift variant that is predicted to introduce a premature termination codon and result in a truncated or absent protein product. This variant has been observed in at least one proband with a GAA-related disorder (PMID:28394184). It is absent or not present at a significant frequency in gnomAD. In conclusion, we classify GAA p.Gly862GlufsTer25 (c.2585del) as a pathogenic variant.

Literature cited by the submitters: PubMed 28394184 (cited by Genomenon, Inc).